The following is an entry in ClinVar:

ClinVar aggregate classification (germline): Uncertain significance. Review status: criteria provided, multiple submitters, no conflicts (2 of 4 stars). 2 submissions from 2 submitters: Uncertain significance (2). Last evaluated 2026-03-02.

Conditions:
Catecholaminergic polymorphic ventricular tachycardia 1. Also called: VENTRICULAR TACHYCARDIA, CATECHOLAMINERGIC POLYMORPHIC, 1, WITH OR WITHOUT ATRIAL DYSFUNCTION AND/OR DILATED CARDIOMYOPATHY; VENTRICULAR TACHYCARDIA, STRESS-INDUCED POLYMORPHIC 1; RYR2-Related Catecholaminergic Polymorphic Ventricular Tachycardia. Identifiers: Orphanet 3286, MedGen C1631597, MONDO:0011484, OMIM 604772.

Allele frequency attached by ClinVar (database versions not stated): gnomAD exomes below 0.00001.
gnomAD v4.1: 2 of 1,607,662 alleles (0.00012%); highest among the groups gnomAD compares: Non-Finnish European, 0.00017%; no homozygotes.

Submissions (2):

Women's Health and Genetics/Laboratory Corporation of America, LabCorp
Classification: Uncertain significance. Last evaluated: 2026-03-02. Review status: criteria provided, single submitter. Criteria: LabCorp Variant Classification Summary - May 2015. Collection method: clinical testing. Allele origin: germline.

Labcorp Genetics (formerly Invitae), Labcorp
Classification: Uncertain significance for Catecholaminergic polymorphic ventricular tachycardia 1. Last evaluated: 2022-12-31. Review status: criteria provided, single submitter. Criteria: Invitae Variant Classification Sherloc (09022015). Collection method: clinical testing. Allele origin: germline.
Comment: This sequence change replaces lysine, which is basic and polar, with arginine, which is basic and polar, at codon 3748 of the RYR2 protein (p.Lys3748Arg). This variant is present in population databases (no rsID available, gnomAD 0.0009%). This variant has not been reported in the literature in individuals affected with RYR2-related conditions. Algorithms developed to predict the effect of missense changes on protein structure and function are either unavailable or do not agree on the potential impact of this missense change (SIFT: "Deleterious"; PolyPhen-2: "Benign"; Align-GVGD: "Class C0"). In summary, the available evidence is currently insufficient to determine the role of this variant in disease. Therefore, it has been classified as a Variant of Uncertain Significance.

NM_001035.3(RYR2):c.11243A>G (p.Lys3748Arg)

Gene: RYR2 (ryanodine receptor 2; plus strand). Cytogenetic location: 1q43.
Variant type: single nucleotide variant.
Coding change: c.11243A>G on transcript NM_001035.3 (MANE Select); coding-DNA position 11243, A replaced by G.
Protein change: p.Lys3748Arg; replaces lysine 3748 with arginine.
Molecular consequence: missense variant.
Genome position (GRCh38, 1-based): chr1:237,756,385, A>G. VCF-style: chr1-237756385-A-G. GRCh37 (hg19) VCF-style: chr1-237919685-A-G.
Other names: short protein forms K3748R.
Identifiers: ClinVar variation 2885729 (VCV002885729.4), dbSNP rs1166553884, ClinGen allele CA345425958.